The following is an entry in ClinVar:

ClinVar aggregate classification (germline): Conflicting classifications of pathogenicity. Review status: criteria provided, conflicting classifications (1 of 4 stars). 6 submissions from 6 submitters: Uncertain significance (3); Likely benign (3). Last evaluated 2026-01-20.

Conditions:
Febrile seizures, familial, 4 (FEB4). Also called: CONVULSIONS, FAMILIAL FEBRILE, 4. Identifiers: MedGen C1858493, MONDO:0011443, OMIM 604352.
Usher syndrome type 2C. Also called: Usher syndrome, type 2B; USHER SYNDROME, TYPE IIC. Identifiers: Orphanet 231178, Orphanet 886, MedGen C2931213, MONDO:0011558, OMIM 605472.
Inborn genetic diseases. Identifiers: MedGen C0950123, MeSH D030342.

Allele frequency attached by ClinVar (database versions not stated): ESP Exome Variant Server 0.00008; TOPMed 0.00008; gnomAD 0.00009 and 0.00017; gnomAD exomes 0.00011 and 0.00019; 1000 Genomes Project 30x 0.00016; 1000 Genomes Project 0.00020; ExAC 0.00023.
gnomAD v4.1: 194 of 1,613,382 alleles (0.012%); highest among the groups gnomAD compares: South Asian, 0.17%; 1 homozygote.

Submissions (6):

Labcorp Genetics (formerly Invitae), Labcorp
Classification: Likely benign. Last evaluated: 2026-01-20. Review status: criteria provided, single submitter. Criteria: Invitae Variant Classification Sherloc (09022015). Collection method: clinical testing. Allele origin: germline.

Ambry Genetics
Classification: Uncertain significance for Inborn genetic diseases. Last evaluated: 2025-12-11. Review status: criteria provided, single submitter. Criteria: Ambry Variant Classification Scheme 2023. Collection method: clinical testing. Allele origin: germline.

CeGaT Center for Human Genetics Tuebingen
Classification: Likely benign. Last evaluated: 2024-12-01. Review status: criteria provided, single submitter. Criteria: CeGaT Center For Human Genetics Tuebingen Variant Classification Criteria Version 2. Collection method: clinical testing. Allele origin: germline. Affected: yes. Observed: 1 variant allele.
Comment: ADGRV1: BP4

Blueprint Genetics
Classification: Likely benign. Last evaluated: 2024-07-11. Review status: criteria provided, single submitter. Criteria: ACMG Guidelines, 2015. Collection method: clinical testing. Allele origin: germline.

Fulgent Genetics
Classification: Uncertain significance for Febrile seizures, familial, 4; Usher syndrome type 2C. Last evaluated: 2022-02-03. Review status: criteria provided, single submitter. Criteria: ACMG Guidelines, 2015. Collection method: clinical testing. Allele origin: unknown.

Laboratory for Molecular Medicine, Mass General Brigham Personalized Medicine
Classification: Uncertain significance. Last evaluated: 2017-09-12. Review status: criteria provided, single submitter. Criteria: LMM Criteria. Collection method: clinical testing. Allele origin: germline. Inheritance: Autosomal recessive inheritance. Observed: 1 variant allele.
Comment: Variant classified as Uncertain Significance - Favor Pathogenic. The p.Ser5625Le u variant in GPR98 has not been previously reported in individuals with hearing loss or Usher syndrome, but has been identified in 0.13% (41/30734) of South Asi an chromosomes by the Genome Aggregation Database (gnomAD; dbSNP rs373862154). Although this variant has been seen in the gene ral population, its frequency is not high enough to rule out a pathogenic role. Computational prediction tools and conservation analysis suggest that the p.Ser5 625Leu variant may impact the protein, though this information is not predictive enough to determine pathogenicity. In summary, the clinical significance of the p.Ser5625Leu variant is uncertain.

NM_032119.4(ADGRV1):c.16874C>T (p.Ser5625Leu)

Gene: ADGRV1 (adhesion G protein-coupled receptor V1; plus strand). Cytogenetic location: 5q14.3.
Variant type: single nucleotide variant.
Coding change: c.16874C>T on transcript NM_032119.4 (MANE Select); coding-DNA position 16874, C replaced by T.
Protein change: p.Ser5625Leu; replaces serine 5625 with leucine.
Molecular consequence: missense variant. On other transcripts: non-coding transcript variant (1).
Genome position (GRCh38, 1-based): chr5:90,840,840, C>T. VCF-style: chr5-90840840-C-T. GRCh37 (hg19) VCF-style: chr5-90136657-C-T.
Other names: short protein forms S5625L.
Identifiers: ClinVar variation 504586 (VCV000504586.27), dbSNP rs373862154, ClinGen allele CA3342243.
Genomic context (GRCh38, chr5:90,840,840, plus strand): 5'-GTGCCAGAATTGATAAAGTGTATGGGACTGCCAACATCACTCTTGTCTCAGATGCAGATT[C>T]GCAGGCCATTTGGGGGCTTGCAGATCAGCTACATCAGCCTGTGAATGATGATATTCTCAA-3'
Protein context (NP_115495.3, residues 5615-5635): ANITLVSDAD[Ser5625Leu]QAIWGLADQL